The following is an entry in ClinVar:

NM_000093.5(COL5A1):c.1166C>T (p.Pro389Leu)

Gene: COL5A1 (collagen type V alpha 1 chain; plus strand). Cytogenetic location: 9q34.3.
Variant type: single nucleotide variant.
Coding change: c.1166C>T on transcript NM_000093.5 (MANE Select); coding-DNA position 1166, C replaced by T.
Protein change: p.Pro389Leu; replaces proline 389 with leucine.
Molecular consequence: missense variant.
Genome position (GRCh38, 1-based): chr9:134,731,497, C>T. VCF-style: chr9-134731497-C-T. GRCh37 (hg19) VCF-style: chr9-137623343-C-T.
Other names: c.1166C>T, p.Pro389Leu (NM_001278074.1); short protein forms P389L.
Identifiers: ClinVar variation 3606659 (VCV003606659.2).

ClinVar aggregate classification (germline): Uncertain significance (1 of 4 stars; one submission).

Conditions:
Ehlers-Danlos syndrome, classic type, 1 (EDSCL1). Also called: EHLERS-DANLOS SYNDROME, GRAVIS TYPE; EHLERS-DANLOS SYNDROME, SEVERE CLASSIC TYPE; Ehlers-Danlos syndrome, type 1; Ehlers-Danlos Syndrome, Classic Type, COL5A1-Related; EDS I. Identifiers: MedGen C0268335, MONDO:0019567, OMIM 130000.

Submission:

Labcorp Genetics (formerly Invitae), Labcorp
Classification: Uncertain significance for Ehlers-Danlos syndrome, classic type, 1. Last evaluated: 2024-02-02. Review status: criteria provided, single submitter. Criteria: Invitae Variant Classification Sherloc (09022015). Collection method: clinical testing. Allele origin: germline.
Comment: This sequence change replaces proline, which is neutral and non-polar, with leucine, which is neutral and non-polar, at codon 389 of the COL5A1 protein (p.Pro389Leu). This variant is not present in population databases (gnomAD no frequency). This variant has not been reported in the literature in individuals affected with COL5A1-related conditions. An algorithm developed to predict the effect of missense changes on protein structure and function (PolyPhen-2) suggests that this variant is likely to be disruptive. In summary, the available evidence is currently insufficient to determine the role of this variant in disease. Therefore, it has been classified as a Variant of Uncertain Significance.